The following is an entry in ClinVar:

ClinVar aggregate classification (germline): Uncertain significance (1 of 4 stars; one submission).

Submission:

GeneDx
Classification: Uncertain significance. Last evaluated: 2022-11-25. Review status: criteria provided, single submitter. Criteria: GeneDx Variant Classification Process June 2021. Collection method: clinical testing. Allele origin: germline. Affected: yes.
Comment: Frameshift variant predicted to result in protein truncation or nonsense mediated decay in a gene or region of a gene for which loss of function is not a well-established mechanism of disease; Not observed at significant frequency in large population cohorts (gnomAD); Has not been previously published as pathogenic or benign to our knowledge

NM_015057.5(MYCBP2):c.13827_13828del (p.Phe4609fs)

Gene: MYCBP2 (MYC binding protein 2; minus strand). Cytogenetic location: 13q22.3.
Variant type: Deletion.
Coding change: c.13827_13828del on transcript NM_015057.5 (MANE Select); coding-DNA positions 13827 to 13828, 2 bases deleted (CT; older notation c.13827_13828delCT).
Protein change: p.Phe4609fs; shifts the reading frame from phenylalanine 4609.
Molecular consequence: frameshift variant.
Genome position (GRCh38, 1-based): chr13:77,051,090-77,051,091, AG deleted on the plus strand (CT on the coding strand, the reverse complement: MYCBP2 is on the minus strand); deleting any 2 consecutive bases within chr13:77,051,090-77,051,092 gives the same sequence; the c. name uses the placement nearest the transcript's 3' end. VCF-style (leftmost placement, unchanged base first): chr13-77051089-CAG-C. GRCh37 (hg19) VCF-style: chr13-77625224-CAG-C.
Other names: short protein forms F4609fs.
Identifiers: ClinVar variation 2503344 (VCV002503344.1), dbSNP rs2501616924, ClinGen allele CA2580614746.